The following is an entry in ClinVar:

ClinVar aggregate classification (germline): Uncertain significance (1 of 4 stars; one submission).

Conditions:
Inborn genetic diseases. Identifiers: MedGen C0950123, MeSH D030342.

Submission:

Ambry Genetics
Classification: Uncertain significance for Inborn genetic diseases. Last evaluated: 2023-09-20. Review status: criteria provided, single submitter. Criteria: Ambry Variant Classification Scheme 2023. Collection method: clinical testing. Allele origin: germline.
Comment: The p.H234Q variant (also known as c.702C>A), located in coding exon 6 of the EPAS1 gene, results from a C to A substitution at nucleotide position 702. The histidine at codon 234 is replaced by glutamine, an amino acid with highly similar properties. This amino acid position is conserved. In addition, this alteration is predicted to be tolerated by in silico analysis. Since supporting evidence is limited at this time, the clinical significance of this alteration remains unclear.

NM_001430.5(EPAS1):c.702C>A (p.His234Gln)

Genes: EPAS1 (endothelial PAS domain protein 1; plus strand), LOC126806210 (BRD4-independent group 4 enhancer GRCh37_chr2:46587586-46588785; plus strand). Cytogenetic location: 2p21.
Variant type: single nucleotide variant.
Coding change: c.702C>A on transcript NM_001430.5 (MANE Select); coding-DNA position 702, C replaced by A.
Protein change: p.His234Gln; replaces histidine 234 with glutamine.
Molecular consequence: missense variant.
Genome position (GRCh38, 1-based): chr2:46,361,013, C>A. VCF-style: chr2-46361013-C-A. GRCh37 (hg19) VCF-style: chr2-46588152-C-A.
Other names: short protein forms H234Q.
Identifiers: ClinVar variation 3221668 (VCV003221668.1), dbSNP rs1190193364, ClinGen allele CA346700193.
Genomic context (GRCh38, chr2:46,361,013, plus strand): 5'-CAAGGAGCCCCTGCTGTCCTGCCTCATCATCATGTGTGAACCAATCCAGCACCCATCCCA[C>A]ATGGACATCCCCCTGGATAGCAAGACCTTCCTGAGCCGCCACAGCATGGACATGAAGTTC-3'
Protein context (NP_001421.2, residues 224-244): IMCEPIQHPS[His234Gln]MDIPLDSKTF